The following is an entry in ClinVar:

NM_001111125.3(IQSEC2):c.1943_1957dup (p.Glu652_Gly653insAspProAlaProGlu)

Gene: IQSEC2 (IQ motif and Sec7 domain ArfGEF 2; minus strand). Cytogenetic location: Xp11.22.
Variant type: Duplication.
Coding change: c.1943_1957dup on transcript NM_001111125.3 (MANE Select); coding-DNA positions 1943 to 1957, 15 bases duplicated (ACCCAGCCCCTGAAG).
Protein change: p.Glu652_Gly653insAspProAlaProGlu.
Genome position (GRCh38, 1-based): chrX:53,250,619-53,250,633, CTTCAGGGGCTGGGT duplicated on the plus strand (ACCCAGCCCCTGAAG on the coding strand, the reverse complement: IQSEC2 is on the minus strand). VCF-style (leftmost placement, unchanged base first): chrX-53250618-C-CCTTCAGGGGCTGGGT. GRCh37 (hg19) VCF-style: chrX-53279800-C-CCTTCAGGGGCTGGGT.
Other names: c.1943_1957dup, p.Glu652_Gly653insAspProAlaProGlu (NM_001410736.1, NM_001441092.1); c.1445_1459dup, p.Glu486_Gly487insAspProAlaProGlu (NM_001441093.1); c.1232_1246dup, p.Glu415_Gly416insAspProAlaProGlu (NM_001441094.1, NM_001441095.1); c.1328_1342dup, p.Glu447_Gly448insAspProAlaProGlu (NM_015075.2).
Identifiers: ClinVar variation 4687949 (VCV004687949.1).

ClinVar aggregate classification (germline): Uncertain significance (1 of 4 stars; one submission).

Conditions:
Intellectual developmental disorder, X-linked 1. Also called: Atkin Flaitz Patil Smith syndrome; MENTAL RETARDATION, X-LINKED 18; MENTAL RETARDATION, X-LINKED 78; Intellectual disability, X-linked 1. Identifiers: Orphanet 777, MedGen C2931498, MONDO:0010656, OMIM 309530.

Submission:

Human Genetics Bochum, Ruhr University Bochum
Classification: Uncertain significance for Intellectual developmental disorder, X-linked 1. Last evaluated: 2025-08-19. Review status: criteria provided, single submitter. Criteria: ACMG Guidelines, 2015. Collection method: clinical testing. Allele origin: germline. Affected: yes.
Comment: ACMG criteria used to clasify this variant: PM4, PM2_SUP